The following is an entry in ClinVar:

ClinVar aggregate classification (germline): Benign/Likely benign. Review status: criteria provided, multiple submitters, no conflicts (2 of 4 stars). 2 submissions from 2 submitters: Benign (1); Likely benign (1). Last evaluated 2025-07-01.

Allele frequency attached by ClinVar (database versions not stated): 1000 Genomes Project 0.00200; gnomAD 0.00310 and 0.00334; TOPMed 0.00395; ESP Exome Variant Server 0.00415; gnomAD exomes 0.00094; ExAC 0.00100; 1000 Genomes Project 30x 0.00156.

Submissions (2):

CeGaT Center for Human Genetics Tuebingen
Classification: Likely benign. Last evaluated: 2025-07-01. Review status: criteria provided, single submitter. Criteria: CeGaT Center For Human Genetics Tuebingen Variant Classification Criteria Version 2. Collection method: clinical testing. Allele origin: germline. Affected: yes. Observed: 1 variant allele.
Comment: GGCT: BP4, BS1

Labcorp Genetics (formerly Invitae), Labcorp
Classification: Benign. Last evaluated: 2018-03-29. Review status: criteria provided, single submitter. Criteria: Invitae Variant Classification Sherloc (09022015). Collection method: clinical testing. Allele origin: germline.

NM_024051.4(GGCT):c.459G>A (p.Pro153=)

Gene: GGCT (gamma-glutamylcyclotransferase; minus strand). Cytogenetic location: 7p14.3.
Variant type: single nucleotide variant.
Coding change: c.459G>A on transcript NM_024051.4 (MANE Select); coding-DNA position 459, G replaced by A.
Protein change: p.Pro153=; no amino-acid change (proline 153 retained).
Molecular consequence: synonymous variant. On other transcripts: missense variant (2), non-coding transcript variant (1).
Genome position (GRCh38, 1-based): chr7:30,497,200, C>T on the plus strand (G>A on the coding strand, the complement: GGCT is on the minus strand). VCF-style: chr7-30497200-C-T. GRCh37 (hg19) VCF-style: chr7-30536816-C-T.
Other names: c.479G>A, p.Arg160His (NM_001199815.2); c.323G>A, p.Arg108His (NM_001199816.2); c.177G>A, p.Pro59= (NM_001199817.2); short protein forms R108H, R160H.
Identifiers: ClinVar variation 711870 (VCV000711870.11), dbSNP rs115910467, ClinGen allele CA4205389.